The following is an entry in ClinVar:

ClinVar aggregate classification (germline): Uncertain significance. Review status: criteria provided, multiple submitters, no conflicts (2 of 4 stars). 3 submissions from 3 submitters: Uncertain significance (3). Last evaluated 2026-04-02.

Conditions:
Cardiovascular phenotype. Identifiers: MedGen CN230736.
Progressive familial heart block type IB (PFHB1B). Identifiers: Orphanet 871, MedGen C1970298, MONDO:0011474, OMIM 604559.

Allele frequency attached by ClinVar (database versions not stated): gnomAD 0.00001; gnomAD exomes 0.00001 and below 0.00001; 1000 Genomes Project 30x 0.00016; TOPMed 0.00002; ExAC 0.00003.
gnomAD v4.1: 6 of 1,606,624 alleles (0.00037%); highest among the groups gnomAD compares: Admixed American, 0.0017%; no homozygotes.

Submissions (3):

Ambry Genetics
Classification: Uncertain significance for Cardiovascular phenotype. Last evaluated: 2026-04-02. Review status: criteria provided, single submitter. Criteria: Ambry Variant Classification Scheme 2023. Collection method: clinical testing. Allele origin: germline.
Comment: The p.R144Q variant (also known as c.431G>A), located in coding exon 4 of the TRPM4 gene, results from a G to A substitution at nucleotide position 431. The arginine at codon 144 is replaced by glutamine, an amino acid with highly similar properties. This amino acid position is conserved. In addition, this alteration is predicted to be tolerated by in silico analysis. Based on the available evidence, the clinical significance of this variant remains unclear.

Labcorp Genetics (formerly Invitae), Labcorp
Classification: Uncertain significance for Progressive familial heart block type IB. Last evaluated: 2021-06-17. Review status: criteria provided, single submitter. Criteria: Invitae Variant Classification Sherloc (09022015). Collection method: clinical testing. Allele origin: germline.
Comment: This sequence change replaces arginine with glutamine at codon 144 of the TRPM4 protein (p.Arg144Gln). The arginine residue is moderately conserved and there is a small physicochemical difference between arginine and glutamine. This variant is present in population databases (rs755372426, ExAC 0.01%). This variant has not been reported in the literature in individuals with TRPM4-related conditions. Algorithms developed to predict the effect of missense changes on protein structure and function are either unavailable or do not agree on the potential impact of this missense change (SIFT: "Deleterious"; PolyPhen-2: "Possibly Damaging"; Align-GVGD: "Class C0"). Algorithms developed to predict the effect of sequence changes on RNA splicing suggest that this variant may create or strengthen a splice site, but this prediction has not been confirmed by published transcriptional studies. In summary, the available evidence is currently insufficient to determine the role of this variant in disease. Therefore, it has been classified as a Variant of Uncertain Significance.

Revvity Omics, Revvity
Classification: Uncertain significance. Last evaluated: 2020-10-26. Review status: criteria provided, single submitter. Criteria: ACMG Guidelines, 2015. Collection method: clinical testing. Allele origin: germline.

NM_017636.4(TRPM4):c.431G>A (p.Arg144Gln)

Gene: TRPM4 (transient receptor potential cation channel subfamily M member 4; plus strand). Cytogenetic location: 19q13.33.
Variant type: single nucleotide variant.
Coding change: c.431G>A on transcript NM_017636.4 (MANE Select); coding-DNA position 431, G replaced by A.
Protein change: p.Arg144Gln; replaces arginine 144 with glutamine.
Molecular consequence: missense variant. On other transcripts: intron variant (4).
Genome position (GRCh38, 1-based): chr19:49,168,080, G>A. VCF-style: chr19-49168080-G-A. GRCh37 (hg19) VCF-style: chr19-49671337-G-A.
Other names: c.431G>A, p.Arg144Gln (NM_001195227.2); c.-1105-180G>A (NM_001321282.2); c.268-473G>A (NM_001321281.2); c.-74-180G>A (NM_001321283.2); c.-237-473G>A (NM_001321285.2); c.431G>A (NM_017636.3); short protein forms R144Q.
Identifiers: ClinVar variation 1398161 (VCV001398161.12), dbSNP rs755372426, ClinGen allele CA9568815.